The following is an entry in ClinVar:

NM_002828.4(PTPN2):c.1049G>A (p.Arg350Gln)

Gene: PTPN2 (protein tyrosine phosphatase non-receptor type 2; minus strand). Cytogenetic location: 18p11.21.
Variant type: single nucleotide variant.
Coding change: c.1049G>A on transcript NM_002828.4 (MANE Select); coding-DNA position 1049, G replaced by A.
Protein change: p.Arg350Gln; replaces arginine 350 with glutamine.
Molecular consequence: missense variant. On other transcripts: intron variant (1).
Genome position (GRCh38, 1-based): chr18:12,794,477, C>T on the plus strand (G>A on the coding strand, the complement: PTPN2 is on the minus strand). VCF-style: chr18-12794477-C-T. GRCh37 (hg19) VCF-style: chr18-12794476-C-T.
Other names: c.1118G>A, p.Arg373Gln (NM_001207013.2); c.962G>A, p.Arg321Gln (NM_001308287.1); c.1049G>A, p.Arg350Gln (NM_080422.3); c.1040+7493G>A (NM_080423.3); short protein forms R321Q, R350Q, R373Q.
Identifiers: ClinVar variation 4755708 (VCV004755708.1).

ClinVar aggregate classification (germline): Uncertain significance (1 of 4 stars; one submission).

gnomAD v4.1: 25 of 1,613,010 alleles (0.0015%); highest among the groups gnomAD compares: East Asian, 0.0089%; no homozygotes.

Submission:

GeneDx
Classification: Uncertain significance. Last evaluated: 2025-08-03. Review status: criteria provided, single submitter. Criteria: GeneDx Variant Classification Process June 2021. Collection method: clinical testing. Allele origin: germline. Affected: yes.
Comment: Observed in a patient with childhood-onset Type 1A diabetes (PMID: 29247561); In silico analysis supports that this missense variant has a deleterious effect on protein structure/function; This variant is associated with the following publications: (PMID: 29247561)